The following is an entry in ClinVar:

NM_153460.4(IL17RC):c.1802G>A (p.Gly601Glu)

Gene: IL17RC (interleukin 17 receptor C; plus strand). Cytogenetic location: 3p25.3.
Variant type: single nucleotide variant.
Coding change: c.1802G>A on transcript NM_153460.4 (MANE Select); coding-DNA position 1802, G replaced by A.
Protein change: p.Gly601Glu; replaces glycine 601 with glutamic acid.
Molecular consequence: missense variant. On other transcripts: non-coding transcript variant (1).
Genome position (GRCh38, 1-based): chr3:9,933,232, G>A. VCF-style: chr3-9933232-G-A. GRCh37 (hg19) VCF-style: chr3-9974916-G-A.
Other names: c.1763G>A, p.Gly588Glu (NM_001203263.2); c.1712G>A, p.Gly571Glu (NM_001203264.2); c.1706G>A, p.Gly569Glu (NM_001203265.2); c.1724G>A, p.Gly575Glu (NM_001367278.1); c.1643G>A, p.Gly548Glu (NM_001367279.1); c.1718G>A, p.Gly573Glu (NM_001367280.1); c.1667G>A, p.Gly556Glu (NM_001410711.1); c.1757G>A, p.Gly586Glu (NM_032732.6); and 1 more; short protein forms G548E, G556E, G569E, G571E, G573E, G575E, G586E, G588E.
Identifiers: ClinVar variation 4804497 (VCV004804497.1).

ClinVar aggregate classification (germline): Uncertain significance (1 of 4 stars; one submission).

Conditions:
Candidiasis, familial, 9 (CANDF9). Identifiers: Orphanet 1334, MedGen C4225324, MONDO:0014642, OMIM 616445.

gnomAD v4.1: 1 of 1,606,614 alleles (0.000062%); no homozygotes.

Submission:

Labcorp Genetics (formerly Invitae), Labcorp
Classification: Uncertain significance for Candidiasis, familial, 9. Last evaluated: 2025-06-24. Review status: criteria provided, single submitter. Criteria: Invitae Variant Classification Sherloc (09022015). Collection method: clinical testing. Allele origin: germline.
Comment: This sequence change replaces glycine, which is neutral and non-polar, with glutamic acid, which is acidic and polar, at codon 672 of the IL17RC protein (p.Gly672Glu). This variant is present in population databases (no rsID available, gnomAD 0.01%). This variant has not been reported in the literature in individuals affected with IL17RC-related conditions. An algorithm developed to predict the effect of missense changes on protein structure and function (PolyPhen-2) suggests that this variant is likely to be tolerated. In summary, the available evidence is currently insufficient to determine the role of this variant in disease. Therefore, it has been classified as a Variant of Uncertain Significance.